The following is an entry in ClinVar:

ClinVar aggregate classification (germline): Likely benign (1 of 4 stars; one submission).

Conditions:
B4GALNT1-related disorder. Also called: B4GALNT1-related condition.

gnomAD v4.1: 9 of 1,609,104 alleles (0.00056%); highest among the groups gnomAD compares: African/African-American, 0.008%; no homozygotes.

Submission:

PreventionGenetics, part of Exact Sciences
Classification: Likely benign for B4GALNT1-related condition. Last evaluated: 2025-06-26. Review status: criteria provided, single submitter. Criteria: ACMG Guidelines, 2015. Collection method: clinical testing. Allele origin: germline.
Comment: This variant is classified as likely benign based on ACMG/AMP sequence variant interpretation guidelines (Richards et al. 2015 PMID: 25741868, with internal and published modifications).

NM_001478.5(B4GALNT1):c.1251C>A (p.Arg417=)

Gene: B4GALNT1 (beta-1,4-N-acetyl-galactosaminyltransferase 1; minus strand). Cytogenetic location: 12q13.3.
Variant type: single nucleotide variant.
Coding change: c.1251C>A on transcript NM_001478.5 (MANE Select); coding-DNA position 1251, C replaced by A.
Protein change: p.Arg417=; no amino-acid change (arginine 417 retained).
Molecular consequence: synonymous variant.
Genome position (GRCh38, 1-based): chr12:57,627,751, G>T on the plus strand (C>A on the coding strand, the complement: B4GALNT1 is on the minus strand). VCF-style: chr12-57627751-G-T. GRCh37 (hg19) VCF-style: chr12-58021534-G-T.
Other names: c.1086C>A, p.Arg362= (NM_001276468.2, NM_001413978.1); c.1419C>A, p.Arg473= (NM_001413967.1); c.1386C>A, p.Arg462= (NM_001413968.1, NM_001413969.1); c.1284C>A, p.Arg428= (NM_001413970.1, NM_001413971.1, NM_001413972.1); c.1251C>A, p.Arg417= (NM_001413973.1, NM_001413974.1); c.1152C>A, p.Arg384= (NM_001413977.1); c.399C>A, p.Arg133= (NM_001413981.1); c.297C>A, p.Arg99= (NM_001413982.1); and 1 more.
Identifiers: ClinVar variation 4979382 (VCV004979382.1).